The following is an entry in ClinVar:

ClinVar aggregate classification (germline): Pathogenic. Review status: criteria provided, multiple submitters, no conflicts (2 of 4 stars). 2 submissions from 2 submitters: Pathogenic (2). Last evaluated 2025-10-07.

Conditions:
Hereditary nonpolyposis colorectal neoplasms. Identifiers: MedGen C0009405, MeSH D003123.
Hereditary cancer-predisposing syndrome. Also called: Neoplastic Syndromes, Hereditary; Hereditary neoplastic syndrome; Tumor predisposition; Hereditary Cancer Syndrome. Identifiers: Orphanet 140162, MedGen C0027672, MeSH D009386, MONDO:0015356.

Submissions (2):

Labcorp Genetics (formerly Invitae), Labcorp
Classification: Pathogenic for Hereditary nonpolyposis colorectal neoplasms. Last evaluated: 2025-10-07. Review status: criteria provided, single submitter. Criteria: Invitae Variant Classification Sherloc (09022015). Collection method: clinical testing. Allele origin: germline.
Comment: This sequence change creates a premature translational stop signal (p.Tyr538*) in the MSH6 gene. It is expected to result in an absent or disrupted protein product. Loss-of-function variants in MSH6 are known to be pathogenic (PMID: 18269114, 24362816). This variant is not present in population databases (gnomAD no frequency). This variant has not been reported in the literature in individuals affected with MSH6-related conditions. ClinVar contains an entry for this variant (Variation ID: 1391642). For these reasons, this variant has been classified as Pathogenic.

Ambry Genetics
Classification: Pathogenic for Hereditary cancer-predisposing syndrome. Last evaluated: 2025-03-30. Review status: criteria provided, single submitter. Criteria: Ambry Variant Classification Scheme 2023. Collection method: clinical testing. Allele origin: germline.
Comment: The p.Y538* pathogenic mutation (also known as c.1614T>G), located in coding exon 4 of the MSH6 gene, results from a T to G substitution at nucleotide position 1614. This changes the amino acid from a tyrosine to a stop codon within coding exon 4. This variant is considered to be rare based on population cohorts in the Genome Aggregation Database (gnomAD). This alteration is expected to result in loss of function by premature protein truncation or nonsense-mediated mRNA decay. As such, this alteration is interpreted as a disease-causing mutation.

Literature cited by the submitters: PubMed 18269114 (cited by Labcorp Genetics (formerly Invitae), Labcorp); PubMed 24362816 (cited by Labcorp Genetics (formerly Invitae), Labcorp).

NM_000179.3(MSH6):c.1614T>G (p.Tyr538Ter)

Gene: MSH6 (mutS homolog 6; plus strand). Cytogenetic location: 2p16.3.
Variant type: single nucleotide variant.
Coding change: c.1614T>G on transcript NM_000179.3 (MANE Select); coding-DNA position 1614, T replaced by G.
Protein change: p.Tyr538Ter; replaces tyrosine 538 with a stop codon.
Molecular consequence: nonsense.
Genome position (GRCh38, 1-based): chr2:47,799,597, T>G. VCF-style: chr2-47799597-T-G. GRCh37 (hg19) VCF-style: chr2-48026736-T-G.
Other names: c.1224T>G, p.Tyr408Ter (NM_001281492.2); c.708T>G, p.Tyr236Ter (NM_001281493.2, NM_001281494.2); short protein forms Y538*, Y408*, Y236*.
Identifiers: ClinVar variation 1391642 (VCV001391642.9), dbSNP rs63750870, ClinGen allele CA46708454.